The following is an entry in ClinVar:

NM_001029883.3(PCARE):c.1787C>T (p.Ser596Leu)

Gene: PCARE (photoreceptor cilium actin regulator; minus strand). Cytogenetic location: 2p23.2.
Variant type: single nucleotide variant.
Coding change: c.1787C>T on transcript NM_001029883.3 (MANE Select); coding-DNA position 1787, C replaced by T.
Protein change: p.Ser596Leu; replaces serine 596 with leucine.
Molecular consequence: missense variant.
Genome position (GRCh38, 1-based): chr2:29,072,475, G>A on the plus strand (C>T on the coding strand, the complement: PCARE is on the minus strand). VCF-style: chr2-29072475-G-A. GRCh37 (hg19) VCF-style: chr2-29295341-G-A.
Other names: short protein forms S596L.
Identifiers: ClinVar variation 1494815 (VCV001494815.6), dbSNP rs200447763, ClinGen allele CA1592355.

ClinVar aggregate classification (germline): Uncertain significance (1 of 4 stars; one submission).

Allele frequency attached by ClinVar (database versions not stated): gnomAD exomes below 0.00001 and 0.00003; ExAC 0.00001; gnomAD 0.00001 and 0.00002; TOPMed 0.00002; 1000 Genomes Project 30x 0.00016; 1000 Genomes Project 0.00020.
gnomAD v4.1: 41 of 1,614,208 alleles (0.0025%); highest among the groups gnomAD compares: Non-Finnish European, 0.0035%; no homozygotes.

Submission:

Labcorp Genetics (formerly Invitae), Labcorp
Classification: Uncertain significance. Last evaluated: 2022-10-05. Review status: criteria provided, single submitter. Criteria: Invitae Variant Classification Sherloc (09022015). Collection method: clinical testing. Allele origin: germline.
Comment: In summary, the available evidence is currently insufficient to determine the role of this variant in disease. Therefore, it has been classified as a Variant of Uncertain Significance. Algorithms developed to predict the effect of missense changes on protein structure and function (SIFT, PolyPhen-2, Align-GVGD) all suggest that this variant is likely to be disruptive. ClinVar contains an entry for this variant (Variation ID: 1494815). This variant has not been reported in the literature in individuals affected with PCARE-related conditions. This variant is present in population databases (rs200447763, gnomAD 0.002%). This sequence change replaces serine, which is neutral and polar, with leucine, which is neutral and non-polar, at codon 596 of the PCARE protein (p.Ser596Leu).